The following is an entry in ClinVar:

NM_004329.3(BMPR1A):c.134A>G (p.Glu45Gly)

Gene: BMPR1A (bone morphogenetic protein receptor type 1A; plus strand). Cytogenetic location: 10q23.2.
Variant type: single nucleotide variant.
Coding change: c.134A>G on transcript NM_004329.3 (MANE Select); coding-DNA position 134, A replaced by G.
Protein change: p.Glu45Gly; replaces glutamic acid 45 with glycine.
Molecular consequence: missense variant.
Genome position (GRCh38, 1-based): chr10:86,890,128, A>G. VCF-style: chr10-86890128-A-G. GRCh37 (hg19) VCF-style: chr10-88649885-A-G.
Other names: short protein forms E45G.
Identifiers: ClinVar variation 575664 (VCV000575664.16), dbSNP rs1564714807, ClinGen allele CA377446596.

ClinVar aggregate classification (germline): Uncertain significance. Review status: criteria provided, multiple submitters, no conflicts (2 of 4 stars). 3 submissions from 3 submitters: Uncertain significance (3). Last evaluated 2025-06-23.

Conditions:
Hereditary cancer-predisposing syndrome. Also called: Hereditary neoplastic syndrome; Tumor predisposition; Hereditary Cancer Syndrome; Neoplastic Syndromes, Hereditary. Identifiers: Orphanet 140162, MedGen C0027672, MeSH D009386, MONDO:0015356.
Juvenile polyposis syndrome (JPS). Identifiers: Orphanet 2929, MedGen C0345893, MONDO:0017380, OMIM 174900.

Allele frequency attached by ClinVar (database versions not stated): gnomAD exomes below 0.00001.
gnomAD v4.1: 1 of 1,614,144 alleles (0.000062%); highest among the groups gnomAD compares: Admixed American, 0.0017%; no homozygotes.

Submissions (3):

Labcorp Genetics (formerly Invitae), Labcorp
Classification: Uncertain significance for Juvenile polyposis syndrome. Last evaluated: 2025-06-23. Review status: criteria provided, single submitter. Criteria: Invitae Variant Classification Sherloc (09022015). Collection method: clinical testing. Allele origin: germline.
Comment: This sequence change replaces glutamic acid, which is acidic and polar, with glycine, which is neutral and non-polar, at codon 45 of the BMPR1A protein (p.Glu45Gly). This variant is not present in population databases (gnomAD no frequency). This variant has not been reported in the literature in individuals affected with BMPR1A-related conditions. ClinVar contains an entry for this variant (Variation ID: 575664). Invitae Evidence Modeling of protein sequence and biophysical properties (such as structural, functional, and spatial information, amino acid conservation, physicochemical variation, residue mobility, and thermodynamic stability) indicates that this missense variant is not expected to disrupt BMPR1A protein function with a negative predictive value of 95%. In summary, the available evidence is currently insufficient to determine the role of this variant in disease. Therefore, it has been classified as a Variant of Uncertain Significance.

Color Diagnostics, LLC DBA Color Health
Classification: Uncertain significance for Hereditary cancer-predisposing syndrome. Last evaluated: 2024-03-06. Review status: criteria provided, single submitter. Criteria: ACMG Guidelines, 2015. Collection method: clinical testing. Allele origin: germline.
Comment: This missense variant replaces glutamic acid with glycine at codon 45 of the BMPR1A protein. Computational prediction tool suggests that this variant may not impact protein structure and function (internally defined REVEL score threshold <=0.5, PMID: 27666373). Splice site prediction tools suggest that this variant may not impact RNA splicing. To our knowledge, functional studies have not been performed for this variant. This variant has not been reported in individuals affected with hereditary cancer in the literature. This variant has not been identified in the general population by the Genome Aggregation Database (gnomAD). The available evidence is insufficient to determine the role of this variant in disease conclusively. Therefore, this variant is classified as a Variant of Uncertain Significance.

Ambry Genetics
Classification: Uncertain significance for Hereditary cancer-predisposing syndrome. Last evaluated: 2024-01-31. Review status: criteria provided, single submitter. Criteria: Ambry Variant Classification Scheme 2023. Collection method: clinical testing. Allele origin: germline.
Comment: The p.E45G variant (also known as c.134A>G), located in coding exon 2 of the BMPR1A gene, results from an A to G substitution at nucleotide position 134. The glutamic acid at codon 45 is replaced by glycine, an amino acid with similar properties. This amino acid position is conserved. In addition, this alteration is predicted to be tolerated by in silico analysis. Based on the available evidence, the clinical significance of this alteration remains unclear.